The following is an entry in ClinVar:

ClinVar aggregate classification (germline): Likely benign (1 of 4 stars; one submission).

Allele frequency attached by ClinVar (database versions not stated): gnomAD 0.01992 and 0.02130; TOPMed 0.02337; 1000 Genomes Project 30x 0.04029; 1000 Genomes Project 0.04253.
gnomAD v4.1: 3,324 of 152,246 alleles (2.2%); highest among the groups gnomAD compares: East Asian, 8.3%; 67 homozygotes.

Submission:

GeneDx
Classification: Likely benign. Last evaluated: 2018-06-19. Review status: criteria provided, single submitter. Criteria: GeneDx Variant Classification (06012015). Collection method: clinical testing. Allele origin: germline. Affected: yes.
Comment: This variant is considered likely benign or benign based on one or more of the following criteria: it is a conservative change, it occurs at a poorly conserved position in the protein, it is predicted to be benign by multiple in silico algorithms, and/or has population frequency not consistent with disease.

NM_000138.5(FBN1):c.5672-205A>G

Gene: FBN1 (fibrillin 1; minus strand). Cytogenetic location: 15q21.1.
Variant type: single nucleotide variant.
Coding change: c.5672-205A>G on transcript NM_000138.5 (MANE Select); 205 bases into the intron before coding-DNA position 5672, A replaced by G.
Molecular consequence: intron variant.
Genome position (GRCh38, 1-based): chr15:48,447,027, T>C on the plus strand (A>G on the coding strand, the complement: FBN1 is on the minus strand). VCF-style: chr15-48447027-T-C. GRCh37 (hg19) VCF-style: chr15-48739224-T-C.
Identifiers: ClinVar variation 674508 (VCV000674508.1), dbSNP rs2303501, ClinGen allele CA14170160.